The following is an entry in ClinVar:

ClinVar aggregate classification (germline): Uncertain significance (1 of 4 stars; one submission).

Conditions:
Hereditary breast ovarian cancer syndrome. Also called: Hereditary breast and ovarian cancer; Hereditary breast and ovarian cancer syndrome; Breast and ovarian cancer; BRCA1- and BRCA2-Associated Hereditary Breast and Ovarian Cancer; Hereditary breast and ovarian cancer syndrome (HBOC); Hereditary breast and/or ovarian cancer syndrome. Identifiers: Orphanet 145, MedGen C0677776, MeSH D061325, MONDO:0003582. Disease mechanism: loss of function.

Allele frequency attached by ClinVar (database versions not stated): gnomAD exomes below 0.00001.
gnomAD v4.1: 1 of 1,613,996 alleles (0.000062%); highest among the groups gnomAD compares: Non-Finnish European, 0.000085%; no homozygotes.

Submission:

Labcorp Genetics (formerly Invitae), Labcorp
Classification: Uncertain significance for Hereditary breast ovarian cancer syndrome. Last evaluated: 2022-10-29. Review status: criteria provided, single submitter. Criteria: Invitae Variant Classification Sherloc (09022015). Collection method: clinical testing. Allele origin: germline.
Comment: In summary, the available evidence is currently insufficient to determine the role of this variant in disease. Therefore, it has been classified as a Variant of Uncertain Significance. Advanced modeling of protein sequence and biophysical properties (such as structural, functional, and spatial information, amino acid conservation, physicochemical variation, residue mobility, and thermodynamic stability) performed at Invitae indicates that this missense variant is not expected to disrupt BRCA2 protein function. This variant has not been reported in the literature in individuals affected with BRCA2-related conditions. This variant is not present in population databases (gnomAD no frequency). This sequence change replaces lysine, which is basic and polar, with threonine, which is neutral and polar, at codon 1959 of the BRCA2 protein (p.Lys1959Thr).

NM_000059.4(BRCA2):c.5876A>C (p.Lys1959Thr)

Gene: BRCA2 (BRCA2 DNA repair associated; plus strand). Cytogenetic location: 13q13.1.
Variant type: single nucleotide variant.
Coding change: c.5876A>C on transcript NM_000059.4 (MANE Select); coding-DNA position 5876, A replaced by C.
Protein change: p.Lys1959Thr; replaces lysine 1959 with threonine.
Molecular consequence: missense variant. On other transcripts: non-coding transcript variant (1), intron variant (2).
Genome position (GRCh38, 1-based): chr13:32,340,231, A>C. VCF-style: chr13-32340231-A-C. GRCh37 (hg19) VCF-style: chr13-32914368-A-C.
Other names: c.5876A>C, p.Lys1959Thr (NM_001406719.1, NM_001406720.1); c.1910-4327A>C (NM_001406721.1); c.425-4327A>C (NM_001406722.1); short protein forms K1959T.
Identifiers: ClinVar variation 2810491 (VCV002810491.3), dbSNP rs2137521911, ClinGen allele CA387787448.